The following is an entry in ClinVar:

ClinVar aggregate classification (germline): Benign. Review status: criteria provided, multiple submitters, no conflicts (2 of 4 stars). 11 submissions from 11 submitters: Benign (9). 2 of the submissions do not count toward it. Last evaluated 2026-02-04.

Conditions:
Neutral lipid storage myopathy (NLSDM). Also called: NEUTRAL LIPID STORAGE DISEASE WITHOUT ICHTHYOSIS. Identifiers: Orphanet 98908, MedGen C1853136, MONDO:0012545, OMIM 610717.

Allele frequency attached by ClinVar (database versions not stated): ExAC 0.59237; 1000 Genomes Project 0.65435; 1000 Genomes Project 30x 0.65662; gnomAD exomes 0.67189 and 0.71691; ESP Exome Variant Server 0.70684; TOPMed 0.71895; gnomAD 0.73113.

Submissions (11):

Labcorp Genetics (formerly Invitae), Labcorp
Classification: Benign for Neutral lipid storage myopathy. Last evaluated: 2026-02-04. Review status: criteria provided, single submitter. Criteria: Invitae Variant Classification Sherloc (09022015). Collection method: clinical testing. Allele origin: germline.

Blueprint Genetics
Classification: Benign. Last evaluated: 2024-11-27. Review status: criteria provided, single submitter. Criteria: ACMG Guidelines, 2015. Collection method: clinical testing. Allele origin: germline.

Mayo Clinic Laboratories, Mayo Clinic
Classification: Benign. Last evaluated: 2024-10-23. Review status: criteria provided, single submitter. Criteria: ACMG Guidelines, 2015. Collection method: clinical testing. Allele origin: germline. Observed: 1,201 variant alleles.
Comment: BA1, BS2, BP4

Genome-Nilou Lab
Classification: Benign for Neutral lipid storage myopathy. Last evaluated: 2021-07-14. Review status: criteria provided, single submitter. Criteria: ACMG Guidelines, 2015. Collection method: clinical testing. Allele origin: germline. Affected: no.

Mendelics
Classification: Benign for Neutral lipid storage myopathy. Last evaluated: 2019-05-28. Review status: criteria provided, single submitter. Criteria: Mendelics Assertion Criteria 2017. Collection method: clinical testing. Allele origin: unknown.

GeneDx
Classification: Benign. Last evaluated: 2018-07-13. Review status: criteria provided, single submitter. Criteria: GeneDx Variant Classification Process June 2021. Collection method: clinical testing. Allele origin: germline. Affected: yes.
Comment: This variant is associated with the following publications: (PMID: 21170305, 25287355)

Illumina Laboratory Services, Illumina
Classification: Benign for Neutral lipid storage myopathy. Last evaluated: 2018-03-06. Review status: criteria provided, single submitter. Criteria: ICSL Variant Classification Criteria 13 December 2019. Collection method: clinical testing. Allele origin: germline.
Comment: This variant was observed in the ICSL laboratory as part of a predisposition screen in an ostensibly healthy population. It had not been previously curated by ICSL or reported in the Human Gene Mutation Database (HGMD: prior to June 1st, 2018), and was therefore a candidate for classification through an automated scoring system. Utilizing variant allele frequency, disease prevalence and penetrance estimates, and inheritance mode, an automated score was calculated to assess if this variant is too frequent to cause the disease. Based on the score and internal cut-off values, a variant classified as benign is not then subjected to further curation. The score for this variant resulted in a classification of benign for this disease.

Breakthrough Genomics
Classification: Benign. Review status: criteria provided, single submitter. Criteria: ACMG Guidelines, 2015. Collection method: not provided. Allele origin: germline. Inheritance: Autosomal recessive inheritance. Affected: yes.

PreventionGenetics, part of Exact Sciences
Classification: Benign. Review status: criteria provided, single submitter. Criteria: ACMG Guidelines, 2015. Collection method: clinical testing. Allele origin: germline.

Diagnostic Laboratory, Department of Genetics, University Medical Center Groningen
Classification: Benign. Review status: no assertion criteria provided. Collection method: clinical testing. Allele origin: germline. Affected: yes. Study: VKGL Data-share Consensus. Not counted in ClinVar's aggregate classification.

Joint Genome Diagnostic Labs from Nijmegen and Maastricht, Radboudumc and MUMC+
Classification: Benign. Review status: no assertion criteria provided. Collection method: clinical testing. Allele origin: germline. Affected: yes. Study: VKGL Data-share Consensus. Not counted in ClinVar's aggregate classification.

NM_020376.4(PNPLA2):c.1442T>C (p.Leu481Pro)

Gene: PNPLA2 (patatin like domain 2, triacylglycerol lipase; plus strand). Cytogenetic location: 11p15.5.
Variant type: single nucleotide variant.
Coding change: c.1442T>C on transcript NM_020376.4 (MANE Select); coding-DNA position 1442, T replaced by C.
Protein change: p.Leu481Pro; replaces leucine 481 with proline.
Molecular consequence: missense variant.
Genome position (GRCh38, 1-based): chr11:824,789, T>C. VCF-style: chr11-824789-T-C. GRCh37 (hg19) VCF-style: chr11-824789-T-C.
Other names: short protein forms L481P.
Identifiers: ClinVar variation 261236 (VCV000261236.29), dbSNP rs1138693, ClinGen allele CA5791412.